The following is an entry in ClinVar:

NM_003051.4(SLC16A1):c.719_720del (p.Gln240fs)

Gene: SLC16A1 (solute carrier family 16 member 1; minus strand). Cytogenetic location: 1p13.2.
Variant type: Deletion.
Coding change: c.719_720del on transcript NM_003051.4 (MANE Select); coding-DNA positions 719 to 720, 2 bases deleted (AA; older notation c.719_720delAA).
Protein change: p.Gln240fs; shifts the reading frame from glutamine 240.
Molecular consequence: frameshift variant.
Genome position (GRCh38, 1-based): chr1:112,917,686-112,917,687, TT deleted on the plus strand (AA on the coding strand, the reverse complement: SLC16A1 is on the minus strand). VCF-style (leftmost placement, unchanged base first): chr1-112917685-CTT-C. GRCh37 (hg19) VCF-style: chr1-113460307-CTT-C.
Other names: c.719_720del, p.Gln240fs (NM_001166496.2); c.719_720delAA (NM_003051.4); short protein forms Q240fs.
Identifiers: ClinVar variation 2691470 (VCV002691470.1), dbSNP rs2525088360, ClinGen allele CA2697554465.

ClinVar aggregate classification (germline): Pathogenic (1 of 4 stars; one submission).

Conditions:
SLC16A1-related disorder. Also called: SLC16A1-related disorders; SLC16A1-related condition.

Submission:

Women's Health and Genetics/Laboratory Corporation of America, LabCorp
Classification: Pathogenic for SLC16A1-Related Disorders. Last evaluated: 2023-12-05. Review status: criteria provided, single submitter. Criteria: LabCorp Variant Classification Summary - May 2015. Collection method: clinical testing. Allele origin: germline.
Comment: Variant summary: SLC16A1 c.719_720delAA (p.Gln240ArgfsX10) results in a premature termination codon, predicted to cause a truncation of the encoded protein or absence of the protein due to nonsense mediated decay, which are commonly known mechanisms for disease. The variant was absent in 251438 control chromosomes. To our knowledge, no occurrence of c.719_720delAA in individuals affected with SLC16A1 Related Disorders and no experimental evidence demonstrating its impact on protein function have been reported. No submitters have cited clinical-significance assessments for this variant to ClinVar after 2014. Based on the evidence outlined above, the variant was classified as pathogenic.